The following is an entry in ClinVar:

NM_014014.5(SNRNP200):c.6369C>T (p.Ser2123=)

Gene: SNRNP200 (small nuclear ribonucleoprotein U5 subunit 200; minus strand). Cytogenetic location: 2q11.2.
Variant type: single nucleotide variant.
Coding change: c.6369C>T on transcript NM_014014.5 (MANE Select); coding-DNA position 6369, C replaced by T.
Protein change: p.Ser2123=; no amino-acid change (serine 2123 retained).
Molecular consequence: synonymous variant.
Genome position (GRCh38, 1-based): chr2:96,275,054, G>A on the plus strand (C>T on the coding strand, the complement: SNRNP200 is on the minus strand). VCF-style: chr2-96275054-G-A. GRCh37 (hg19) VCF-style: chr2-96940792-G-A.
Identifiers: ClinVar variation 337523 (VCV000337523.44), dbSNP rs61753580, ClinGen allele CA1777724.

ClinVar aggregate classification (germline): Conflicting classifications of pathogenicity. Review status: criteria provided, conflicting classifications (1 of 4 stars). 6 submissions from 6 submitters: Uncertain significance (1); Benign (1); Likely benign (4). Last evaluated 2026-04-07.

Conditions:
SNRNP200-related disorder. Also called: SNRNP200-related condition.
Retinitis pigmentosa (RP). Identifiers: Orphanet 791, MedGen C0035334, MeSH D012174, MONDO:0019200, OMIM 268000. Inheritance: Autosomal dominant, autosomal recessive and X linked inheritance.

Allele frequency attached by ClinVar (database versions not stated): gnomAD exomes 0.00014; ExAC 0.00015; 1000 Genomes Project 0.00040; gnomAD 0.00044 and 0.00047; 1000 Genomes Project 30x 0.00047; TOPMed 0.00057; ESP Exome Variant Server 0.00085.
gnomAD v4.1: 163 of 1,614,164 alleles (0.01%); highest among the groups gnomAD compares: African/African-American, 0.15%; no homozygotes.

Submissions (6):

PreventionGenetics, part of Exact Sciences
Classification: Likely benign for SNRNP200-related condition. Last evaluated: 2026-04-07. Review status: criteria provided, single submitter. Criteria: ACMG Guidelines, 2015. Collection method: clinical testing. Allele origin: germline.
Comment: This variant is classified as likely benign based on ACMG/AMP sequence variant interpretation guidelines (Richards et al. 2015 PMID: 25741868, with internal and published modifications).

Labcorp Genetics (formerly Invitae), Labcorp
Classification: Benign. Last evaluated: 2025-12-16. Review status: criteria provided, single submitter. Criteria: Invitae Variant Classification Sherloc (09022015). Collection method: clinical testing. Allele origin: germline.

Blueprint Genetics
Classification: Likely benign. Last evaluated: 2024-06-07. Review status: criteria provided, single submitter. Criteria: ACMG Guidelines, 2015. Collection method: clinical testing. Allele origin: germline.

CeGaT Center for Human Genetics Tuebingen
Classification: Likely benign. Last evaluated: 2023-11-01. Review status: criteria provided, single submitter. Criteria: CeGaT Center For Human Genetics Tuebingen Variant Classification Criteria Version 2. Collection method: clinical testing. Allele origin: germline. Affected: yes. Observed: 1 variant allele.
Comment: SNRNP200: BP4, BP7, BS1

Illumina Laboratory Services, Illumina
Classification: Likely benign for Retinitis pigmentosa. Last evaluated: 2018-01-12. Review status: criteria provided, single submitter. Criteria: ICSL Variant Classification Criteria 13 December 2019. Collection method: clinical testing. Allele origin: germline.
Comment: This variant was observed in the ICSL laboratory as part of a predisposition screen in an ostensibly healthy population. It had not been previously curated by ICSL or reported in the Human Gene Mutation Database (HGMD: prior to June 1st, 2018), and was therefore a candidate for classification through an automated scoring system. Utilizing variant allele frequency, disease prevalence and penetrance estimates, and inheritance mode, an automated score was calculated to assess if this variant is too frequent to cause the disease. Based on the score and internal cut-off values, a variant classified as likely benign is not then subjected to further curation. The score for this variant resulted in a classification of likely benign for this disease.

Eurofins Ntd Llc (ga)
Classification: Uncertain significance. Last evaluated: 2016-12-01. Review status: criteria provided, single submitter. Criteria: EGL Classification Definitions 2015. Collection method: clinical testing. Allele origin: germline. Observed: 1 variant allele, 1 heterozygote.